The following is an entry in ClinVar:

ClinVar aggregate classification (germline): Uncertain significance (1 of 4 stars; one submission).

gnomAD v4.1: 4 of 1,608,878 alleles (0.00025%); highest among the groups gnomAD compares: Non-Finnish European, 0.00034%; no homozygotes.

Submission:

Dasa
Classification: Uncertain significance. Last evaluated: 2026-02-18. Review status: criteria provided, single submitter. Criteria: DASA Assertion Criteria. Collection method: clinical testing. Allele origin: germline.
Comment: NM_018896.5(CACNA1G):c.2519G>A (p.Arg840His) is a missense variant that results in the substitution of arginine with histidine. This variant is rare in population databases. Computational prediction algorithms are consistent with a deleterious effect. The currently available literature and clinical evidence are not sufficient to establish a definitive association between this variant and the reported condition. Therefore, this variant is classified as a variant of uncertain significance.

NM_018896.5(CACNA1G):c.2519G>A (p.Arg840His)

Gene: CACNA1G (calcium voltage-gated channel subunit alpha1 G; plus strand). Cytogenetic location: 17q21.33.
Variant type: single nucleotide variant.
Coding change: c.2519G>A on transcript NM_018896.5 (MANE Select); coding-DNA position 2519, G replaced by A.
Protein change: p.Arg840His; replaces arginine 840 with histidine.
Molecular consequence: missense variant. On other transcripts: non-coding transcript variant (5).
Genome position (GRCh38, 1-based): chr17:50,591,500, G>A. VCF-style: chr17-50591500-G-A. GRCh37 (hg19) VCF-style: chr17-48668861-G-A.
Other names: c.2519G>A, p.Arg840His (NM_001256324.2, NM_001256325.2, NM_001256326.2 and 24 more transcripts); short protein forms R840H.
Identifiers: ClinVar variation 5020706 (VCV005020706.1).
Genomic context (GRCh38, chr17:50,591,500, plus strand): 5'-GGGAGATCGTGGGCCAGCAGGGGGGCGGCCTGTCGGTGCTGCGGACCTTCCGCCTGATGC[G>A]TGTGCTGAAGCTGGTGCGCTTCCTGCCGGCGCTGCAGCGGCAGCTGGTGGTGCTCATGAA-3'
Protein context (NP_061496.2, residues 830-850): LSVLRTFRLM[Arg840His]VLKLVRFLPA